The following is an entry in ClinVar:

NM_000368.5(TSC1):c.1936dup (p.Met646fs)

Gene: TSC1 (TSC complex subunit 1; minus strand). Cytogenetic location: 9q34.13.
Variant type: Duplication.
Coding change: c.1936dup on transcript NM_000368.5 (MANE Select); coding-DNA position 1936, one base duplicated (A; older notation c.1936dupA).
Protein change: p.Met646fs; shifts the reading frame from methionine 646.
Molecular consequence: frameshift variant.
Genome position (GRCh38, 1-based): chr9:132,905,642, T duplicated on the plus strand (A on the coding strand, the reverse complement: TSC1 is on the minus strand); the first of 2 consecutive T bases (chr9:132,905,642-132,905,643); duplicating either gives the same sequence. VCF-style (leftmost placement, unchanged base first): chr9-132905641-A-AT. GRCh37 (hg19) VCF-style: chr9-135781028-A-AT.
Other names: c.1933dup, p.Met645fs (NM_001162426.2); c.1783dup, p.Met595fs (NM_001162427.2); c.1573dup, p.Met525fs (NM_001362177.2); short protein forms M645fs, M525fs, M646fs, M595fs.
Identifiers: ClinVar variation 1365732 (VCV001365732.6), dbSNP rs2131811653, ClinGen allele CA2573144271.

ClinVar aggregate classification (germline): Pathogenic (1 of 4 stars; one submission).

Conditions:
Tuberous sclerosis 1 (TSC1). Identifiers: Orphanet 805, MedGen C1854465, MONDO:0008612, OMIM 191100.

Submission:

Labcorp Genetics (formerly Invitae), Labcorp
Classification: Pathogenic for Tuberous sclerosis 1. Last evaluated: 2022-07-19. Review status: criteria provided, single submitter. Criteria: Invitae Variant Classification Sherloc (09022015). Collection method: clinical testing. Allele origin: germline.
Comment: For these reasons, this variant has been classified as Pathogenic. ClinVar contains an entry for this variant (Variation ID: 1365732). This variant has not been reported in the literature in individuals affected with TSC1-related conditions. This variant is not present in population databases (gnomAD no frequency). This sequence change creates a premature translational stop signal (p.Met646Asnfs*42) in the TSC1 gene. It is expected to result in an absent or disrupted protein product. Loss-of-function variants in TSC1 are known to be pathogenic (PMID: 10227394, 17304050).

Literature cited by the submitters: PubMed 10227394; PubMed 17304050.